The following is an entry in ClinVar:

NM_003742.4(ABCB11):c.1760C>A (p.Ser587Ter)

Gene: ABCB11 (ATP binding cassette subfamily B member 11; minus strand). Cytogenetic location: 2q31.1.
Variant type: single nucleotide variant.
Coding change: c.1760C>A on transcript NM_003742.4 (MANE Select); coding-DNA position 1760, C replaced by A.
Protein change: p.Ser587Ter; replaces serine 587 with a stop codon.
Molecular consequence: nonsense.
Genome position (GRCh38, 1-based): chr2:168,970,094, G>T on the plus strand (C>A on the coding strand, the complement: ABCB11 is on the minus strand). VCF-style: chr2-168970094-G-T. GRCh37 (hg19) VCF-style: chr2-169826604-G-T.
Other names: short protein forms S587*.
Identifiers: ClinVar variation 2687804 (VCV002687804.2), dbSNP rs2545383010, ClinGen allele CA349113747.

ClinVar aggregate classification (germline): Pathogenic. Review status: criteria provided, multiple submitters, no conflicts (2 of 4 stars). 2 submissions from 2 submitters: Pathogenic (2). Last evaluated 2026-04-14.

Conditions:
Familial intrahepatic cholestasis. Identifiers: Orphanet 284385, MedGen CN296401, MONDO:0017290.
Progressive familial intrahepatic cholestasis type 2. Identifiers: Orphanet 79304, MedGen C3489789, MONDO:0011156, OMIM 601847.

Submissions (2):

Genomenon, Inc
Classification: Pathogenic for Familial intrahepatic cholestasis. Last evaluated: 2026-04-14. Review status: criteria provided, single submitter. Criteria: Genomenon Sequence Variant Interpretation Standards - Updated. Collection method: curation. Allele origin: germline. Affected: yes.
Comment: ABCB11 p.Ser587Ter (c.1760C>A) is a nonsense variant that introduces a premature stop codon at amino acid position 587, creating a truncated protein that is predicted to undergo nonsense-mediated mRNA decay. This variant has been observed in at least one proband with an ABCB11-related disorder (PMID:37697751). It is absent or not present at a significant frequency in gnomAD. In conclusion, we classify ABCB11 p.Ser587Ter (c.1760C>A) as a pathogenic variant.

Rolfs Rare Disease Consulting, Rolfs Consulting Und Verwaltungs GmbH
Classification: Pathogenic for Progressive familial intrahepatic cholestasis type 2. Last evaluated: 2019-01-01. Review status: criteria provided, single submitter. Criteria: ACMG Guidelines, 2015. Collection method: clinical testing. Allele origin: germline. Affected: yes.

Literature cited by the submitters: PubMed 37697751 (cited by Genomenon, Inc).